The following is an entry in ClinVar:

NM_004273.5(CHST3):c.238del (p.Ser79_Leu80insTer)

Gene: CHST3 (carbohydrate sulfotransferase 3; plus strand). Cytogenetic location: 10q22.1.
Variant type: Deletion.
Coding change: c.238del on transcript NM_004273.5 (MANE Select); coding-DNA position 238, one base deleted (C; older notation c.238delC).
Protein change: p.Ser79_Leu80insTer.
Molecular consequence: nonsense.
Genome position (GRCh38, 1-based): chr10:72,007,269, C deleted; the last of 3 consecutive C bases (chr10:72,007,267-72,007,269); deleting any one gives the same sequence. VCF-style (leftmost placement, unchanged base first): chr10-72007266-TC-T. GRCh37 (hg19) VCF-style: chr10-73767024-TC-T.
Identifiers: ClinVar variation 1458337 (VCV001458337.6), dbSNP rs2131774158, ClinGen allele CA2573145448.
Genomic context (GRCh38, chr10:72,007,266, plus strand): 5'-CTAGCAGATGCCAACAGCACCGACCCAGCCCTGATCTTAGCTGAGAACGCATCTCTCTTG[TC>T]CCTGAGCGAGCTCGATTCAGCCTTCTCCCAGCTTCAGAGCCGTCTCCGCAACCTCAGCTT-3'

ClinVar aggregate classification (germline): Pathogenic (1 of 4 stars; one submission).

Conditions:
Spondyloepiphyseal dysplasia with congenital joint dislocations (SEDCJD). Also called: Chondrodysplasia with Congenital Joint Dislocations, CHST3-Related. Identifiers: Orphanet 263463, MedGen C1837657, MONDO:0007738, OMIM 143095.

Submission:

Labcorp Genetics (formerly Invitae), Labcorp
Classification: Pathogenic for Spondyloepiphyseal dysplasia with congenital joint dislocations. Last evaluated: 2022-07-01. Review status: criteria provided, single submitter. Criteria: Invitae Variant Classification Sherloc (09022015). Collection method: clinical testing. Allele origin: germline.
Comment: For these reasons, this variant has been classified as Pathogenic. This variant disrupts a region of the CHST3 protein in which other variant(s) (p.Glu268*) have been determined to be pathogenic (PMID: 26572954). This suggests that this is a clinically significant region of the protein, and that variants that disrupt it are likely to be disease-causing. ClinVar contains an entry for this variant (Variation ID: 1458337). This premature translational stop signal has been observed in individual(s) with clinical features of spondyloepiphyseal dysplasia (Invitae). This variant is not present in population databases (gnomAD no frequency). This sequence change creates a premature translational stop signal (p.Leu80*) in the CHST3 gene. While this is not anticipated to result in nonsense mediated decay, it is expected to disrupt the last 400 amino acid(s) of the CHST3 protein.

Literature cited by the submitters: PubMed 26572954.